The following is an entry in ClinVar:

ClinVar aggregate classification (germline): Uncertain significance (1 of 4 stars; one submission).

Conditions:
Severe myoclonic epilepsy in infancy (DRVT). Also called: Dravet syndrome; SEVERE MYOCLONIC EPILEPSY OF INFANCY; DEVELOPMENTAL AND EPILEPTIC ENCEPHALOPATHY 6A; Severe Myoclonic Epilepsy in Infancy (SMEI); Epileptic encephalopathy, early infantile, 6 (Dravet syndrome). Identifiers: Orphanet 33069, MedGen C0751122, MONDO:0100135, OMIM 607208.

Allele frequency attached by ClinVar (database versions not stated): gnomAD exomes below 0.00001 and 0.00001; gnomAD 0.00002; TOPMed 0.00002.
gnomAD v4.1: 8 of 1,613,644 alleles (0.0005%); highest among the groups gnomAD compares: African/African-American, 0.0013%; no homozygotes.

Submission:

Labcorp Genetics (formerly Invitae), Labcorp
Classification: Uncertain significance for Severe myoclonic epilepsy in infancy. Last evaluated: 2024-02-17. Review status: criteria provided, single submitter. Criteria: Invitae Variant Classification Sherloc (09022015). Collection method: clinical testing. Allele origin: germline.
Comment: This sequence change replaces tyrosine, which is neutral and polar, with cysteine, which is neutral and slightly polar, at codon 342 of the SNX27 protein (p.Tyr342Cys). This variant is not present in population databases (gnomAD no frequency). This variant has not been reported in the literature in individuals affected with SNX27-related conditions. ClinVar contains an entry for this variant (Variation ID: 854930). An algorithm developed to predict the effect of missense changes on protein structure and function (PolyPhen-2) suggests that this variant is likely to be disruptive. In summary, the available evidence is currently insufficient to determine the role of this variant in disease. Therefore, it has been classified as a Variant of Uncertain Significance.

NM_001330723.2(SNX27):c.1025A>G (p.Tyr342Cys)

Gene: SNX27 (sorting nexin 27; plus strand). Cytogenetic location: 1q21.3.
Variant type: single nucleotide variant.
Coding change: c.1025A>G on transcript NM_001330723.2 (MANE Select); coding-DNA position 1025, A replaced by G.
Protein change: p.Tyr342Cys; replaces tyrosine 342 with cysteine.
Molecular consequence: missense variant.
Genome position (GRCh38, 1-based): chr1:151,668,511, A>G. VCF-style: chr1-151668511-A-G. GRCh37 (hg19) VCF-style: chr1-151640987-A-G.
Other names: c.1025A>G, p.Tyr342Cys (NM_030918.6); short protein forms Y342C.
Identifiers: ClinVar variation 854930 (VCV000854930.7), dbSNP rs954363272, ClinGen allele CA30493725.
Genomic context (GRCh38, chr1:151,668,511, plus strand): 5'-TGTGTTTTGTCTTTCCTTTAGTACGTAAATTGGCACCTAATGAGTTTCCTCACAAACTCT[A>G]CATTCAGAATTATACATCAGCTGTGCCAGGCACCTGCTTGACCATTCGAAAGTGGCTTTT-3'
Protein context (NP_001317652.1, residues 332-352): LAPNEFPHKL[Tyr342Cys]IQNYTSAVPG